The following is an entry in ClinVar:

ClinVar aggregate classification (germline): Uncertain significance. Review status: criteria provided, multiple submitters, no conflicts (2 of 4 stars). 2 submissions from 2 submitters: Uncertain significance (2). Last evaluated 2025-03-17.

Conditions:
Inborn genetic diseases. Identifiers: MedGen C0950123, MeSH D030342.

gnomAD v4.1: 2 of 1,274,886 alleles (0.00016%); highest among the groups gnomAD compares: East Asian, 0.0032%; no homozygotes.

Submissions (2):

Ambry Genetics
Classification: Uncertain significance for Inborn genetic diseases. Last evaluated: 2025-03-17. Review status: criteria provided, single submitter. Criteria: Ambry Variant Classification Scheme 2023. Collection method: clinical testing. Allele origin: germline.
Comment: The c.-4C>G variant is located in the 5' untranslated region (5&rsquo; UTR) of the CEBPA gene. This variant results from a C to G substitution 4 bases upstream from the first translated codon. This nucleotide position is well conserved in available vertebrate species. Based on the available evidence, the clinical significance of this variant remains unclear.

GeneDx
Classification: Uncertain significance. Last evaluated: 2023-11-01. Review status: criteria provided, single submitter. Criteria: GeneDx Variant Classification Process June 2021. Collection method: clinical testing. Allele origin: germline. Affected: yes.
Comment: Not observed at significant frequency in large population cohorts (gnomAD); Has not been previously published as pathogenic or benign to our knowledge

NM_004364.5(CEBPA):c.-4C>G

Genes: CEBPA (CCAAT enhancer binding protein alpha; minus strand), LOC130064183 (ATAC-STARR-seq lymphoblastoid silent region 10495; plus strand). Cytogenetic location: 19q13.11.
Variant type: single nucleotide variant.
Coding change: c.-4C>G on transcript NM_004364.5 (MANE Select); 4 bases upstream of the start codon, C replaced by G.
Molecular consequence: 5 prime UTR variant. On other transcripts: synonymous variant (1).
Genome position (GRCh38, 1-based): chr19:33,302,418, G>C on the plus strand (C>G on the coding strand, the complement: CEBPA is on the minus strand). VCF-style: chr19-33302418-G-C. GRCh37 (hg19) VCF-style: chr19-33793324-G-C.
Other names: c.-361C>G (NM_001285829.2); c.102C>G, p.Ser34= (NM_001287424.2); c.-46C>G (NM_001287435.2).
Identifiers: ClinVar variation 3363697 (VCV003363697.2).